The following is an entry in ClinVar:

NM_000512.5(GALNS):c.423-862C>T

Gene: GALNS (galactosamine (N-acetyl)-6-sulfatase; minus strand). Cytogenetic location: 16q24.3.
Variant type: single nucleotide variant.
Coding change: c.423-862C>T on transcript NM_000512.5 (MANE Select); 862 bases into the intron before coding-DNA position 423, C replaced by T.
Molecular consequence: intron variant.
Genome position (GRCh38, 1-based): chr16:88,838,627, G>A on the plus strand (C>T on the coding strand, the complement: GALNS is on the minus strand). VCF-style: chr16-88838627-G-A. GRCh37 (hg19) VCF-style: chr16-88905035-G-A.
Other names: c.-133-862C>T (NM_001323543.2); c.441-862C>T (NM_001323544.2).
Identifiers: ClinVar variation 800975 (VCV000800975.5), dbSNP rs1597575641, ClinGen allele CA915949392.

ClinVar aggregate classification (germline): Pathogenic/Likely pathogenic. Review status: criteria provided, multiple submitters, no conflicts (2 of 4 stars). 4 submissions from 4 submitters: Pathogenic (1); Likely pathogenic (2). 1 of the submissions does not count toward it. Last evaluated 2025-04-19.

Conditions:
Mucopolysaccharidosis, MPS-IV-A (MPS4A). Also called: MPS IVA; mucopolysaccharidosis type 4A; Mucopolysaccharidosis type IV A; Morquio syndrome A, mild; MORQUIO SYNDROME A; GALACTOSAMINE-6-SULFATASE DEFICIENCY. Identifiers: Orphanet 309297, Orphanet 582, MedGen C0086651, MONDO:0009659, OMIM 253000.

Submissions (4):

3billion
Classification: Likely pathogenic for Mucopolysaccharidosis, MPS-IV-A. Last evaluated: 2025-04-19. Review status: criteria provided, single submitter. Criteria: ACMG Guidelines, 2015. Collection method: clinical testing. Allele origin: germline. Affected: yes.

Laboratory of Inherited Metabolic Diseases, Research centre for medical genetics
Classification: Pathogenic for Mucopolysaccharidosis, MPS-IV-A. Last evaluated: 2025-01-26. Review status: criteria provided, single submitter. Criteria: ACMG Guidelines, 2015. Collection method: research. Allele origin: biparental. Affected: yes.
Comment: Minigene assay and patient's RNA analysis demonstrated insertion of several pseudoexons.

CENTOGENE GmbH and LLC - Guiding Precision Medicine
Classification: Likely pathogenic for Mucopolysaccharidosis, MPS-IV-A. Review status: criteria provided, single submitter. Criteria: ACMG Guidelines, 2015. Collection method: clinical testing. Allele origin: germline. Affected: yes.

Biochemical Molecular Genetic Laboratory, King Abdulaziz Medical City
Classification: Likely pathogenic for Mucopolysaccharidosis, MPS-IV-A. Last evaluated: 2019-09-26. Review status: no assertion criteria provided. Collection method: clinical testing. Allele origin: germline. Affected: yes. Not counted in ClinVar's aggregate classification.

Literature cited by the submitters: PubMed 32860008 (cited by 3billion and CENTOGENE GmbH and LLC - Guiding Precision Medicine).